The following is an entry in ClinVar:

ClinVar aggregate classification (germline): Uncertain significance (1 of 4 stars; one submission).

gnomAD v4.1: 3 of 1,614,178 alleles (0.00019%); highest among the groups gnomAD compares: South Asian, 0.0033%; no homozygotes.

Submission:

Ambry Genetics
Classification: Uncertain significance. Last evaluated: 2022-04-20. Review status: criteria provided, single submitter. Criteria: Ambry Variant Classification Scheme 2023. Collection method: clinical testing. Allele origin: germline.
Comment: The p.H561Y variant (also known as c.1681C>T), located in coding exon 9 of the PALLD gene, results from a C to T substitution at nucleotide position 1681. The histidine at codon 561 is replaced by tyrosine, an amino acid with similar properties. This amino acid position is conserved. In addition, this alteration is predicted to be tolerated by in silico analysis. Since supporting evidence is limited at this time, the clinical significance of this alteration remains unclear.

NM_001166108.2(PALLD):c.1681C>T (p.His561Tyr)

Gene: PALLD (palladin, cytoskeletal associated protein; plus strand). Cytogenetic location: 4q32.3.
Variant type: single nucleotide variant.
Coding change: c.1681C>T on transcript NM_001166108.2 (MANE Select); coding-DNA position 1681, C replaced by T.
Protein change: p.His561Tyr; replaces histidine 561 with tyrosine.
Molecular consequence: missense variant.
Genome position (GRCh38, 1-based): chr4:168,711,640, C>T. VCF-style: chr4-168711640-C-T. GRCh37 (hg19) VCF-style: chr4-169632791-C-T.
Other names: c.535C>T, p.His179Tyr (NM_001166109.2); c.1681C>T, p.His561Tyr (NM_016081.4); short protein forms H179Y, H561Y.
Identifiers: ClinVar variation 1777922 (VCV001777922.3), dbSNP rs763814940, ClinGen allele CA3135709.